The following is an entry in ClinVar:

NM_006922.4(SCN3A):c.3732C>G (p.Asp1244Glu)

Gene: SCN3A (sodium voltage-gated channel alpha subunit 3; minus strand). Cytogenetic location: 2q24.3.
Variant type: single nucleotide variant.
Coding change: c.3732C>G on transcript NM_006922.4 (MANE Select); coding-DNA position 3732, C replaced by G.
Protein change: p.Asp1244Glu; replaces aspartic acid 1244 with glutamic acid.
Molecular consequence: missense variant.
Genome position (GRCh38, 1-based): chr2:165,112,996, G>C on the plus strand (C>G on the coding strand, the complement: SCN3A is on the minus strand). VCF-style: chr2-165112996-G-C. GRCh37 (hg19) VCF-style: chr2-165969506-G-C.
Other names: c.3585C>G, p.Asp1195Glu (NM_001081676.2, NM_001081677.2); short protein forms D1195E, D1244E.
Identifiers: ClinVar variation 4071834 (VCV004071834.1).

ClinVar aggregate classification (germline): Uncertain significance (1 of 4 stars; one submission).

Submission:

GeneDx
Classification: Uncertain significance. Last evaluated: 2025-01-27. Review status: criteria provided, single submitter. Criteria: GeneDx Variant Classification Process June 2021. Collection method: clinical testing. Allele origin: germline. Affected: yes.
Comment: Not observed at significant frequency in large population cohorts (gnomAD); In silico analysis supports that this missense variant has a deleterious effect on protein structure/function; Has not been previously published as pathogenic or benign to our knowledge